The following is an entry in ClinVar:

ClinVar aggregate classification (germline): Uncertain significance (1 of 4 stars; one submission).

Conditions:
ABCC8-related disorder.

Submission:

PreventionGenetics, part of Exact Sciences
Classification: Uncertain significance for ABCC8-related condition. Last evaluated: 2025-07-27. Review status: criteria provided, single submitter. Criteria: ACMG Guidelines, 2015. Collection method: clinical testing. Allele origin: germline.
Comment: The ABCC8 c.2820+5delG variant is predicted to result in an intronic deletion. This variant is predicted to alter splicing based on available splicing prediction programs (SpliceAI, Jaganathan et al. 2019. PubMed ID: 30661751). However, the use of computer prediction programs is not equivalent to functional evidence. To our knowledge, this variant has not been reported in the literature or in a large population database (gnomAD), indicating this variant is rare. At this time, the clinical significance of this variant is uncertain due to the absence of conclusive functional and genetic evidence.

NM_000352.6(ABCC8):c.2820+5del

Gene: ABCC8 (ATP binding cassette subfamily C member 8; minus strand). Cytogenetic location: 11p15.1.
Variant type: Deletion.
Coding change: c.2820+5del on transcript NM_000352.6 (MANE Select); 5 bases into the intron after coding-DNA position 2820, one base deleted (G; older notation c.2820+5delG).
Molecular consequence: intron variant.
Genome position (GRCh38, 1-based): chr11:17,408,387, C deleted on the plus strand (G on the coding strand, the reverse complement: ABCC8 is on the minus strand); the first of 3 consecutive C bases (chr11:17,408,387-17,408,389); deleting any one gives the same sequence. VCF-style (leftmost placement, unchanged base first): chr11-17408386-AC-A. GRCh37 (hg19) VCF-style: chr11-17429933-AC-A.
Other names: c.2817+5del (NM_001351297.2); c.2820+5del (NM_001351296.2); c.2886+5del (NM_001351295.2); c.2823+5del (NM_001287174.3).
Identifiers: ClinVar variation 4996755 (VCV004996755.1).